The following is an entry in ClinVar:

ClinVar aggregate classification (germline): Uncertain significance (1 of 4 stars; one submission).

gnomAD v4.1: 1 of 1,551,672 alleles (0.000064%); highest among the groups gnomAD compares: Non-Finnish European, 0.000087%; no homozygotes.

Submission:

Labcorp Genetics (formerly Invitae), Labcorp
Classification: Uncertain significance. Last evaluated: 2025-03-25. Review status: criteria provided, single submitter. Criteria: Invitae Variant Classification Sherloc (09022015). Collection method: clinical testing. Allele origin: germline.
Comment: This sequence change replaces phenylalanine, which is neutral and non-polar, with serine, which is neutral and polar, at codon 1854 of the TET2 protein (p.Phe1854Ser). This variant is not present in population databases (gnomAD no frequency). This variant has not been reported in the literature in individuals affected with TET2-related conditions. An algorithm developed to predict the effect of missense changes on protein structure and function (PolyPhen-2) suggests that this variant is likely to be disruptive. In summary, the available evidence is currently insufficient to determine the role of this variant in disease. Therefore, it has been classified as a Variant of Uncertain Significance.

NM_001127208.3(TET2):c.5561T>C (p.Phe1854Ser)

Genes: TET2-AS1 (TET2 antisense RNA 1; minus strand), TET2 (tet methylcytosine dioxygenase 2; plus strand). Cytogenetic location: 4q24.
Variant type: single nucleotide variant.
Coding change: c.5561T>C on transcript NM_001127208.3 (MANE Select); coding-DNA position 5561, T replaced by C.
Protein change: p.Phe1854Ser; replaces phenylalanine 1854 with serine.
Molecular consequence: missense variant.
Genome position (GRCh38, 1-based): chr4:105,276,071, T>C. VCF-style: chr4-105276071-T-C. GRCh37 (hg19) VCF-style: chr4-106197228-T-C.
Other names: short protein forms F1854S.
Identifiers: ClinVar variation 4715954 (VCV004715954.1).